The following is an entry in ClinVar:

NM_000059.4(BRCA2):c.2dup (p.Met1fs)

Gene: BRCA2 (BRCA2 DNA repair associated; plus strand). Cytogenetic location: 13q13.1.
Variant type: Duplication.
Coding change: c.2dup on transcript NM_000059.4 (MANE Select); coding-DNA position 2, one base duplicated (T; older notation c.2dupT).
Protein change: p.Met1fs; shifts the reading frame from methionine 1.
Molecular consequence: frameshift variant, initiator codon variant. On other transcripts: non-coding transcript variant (1), intron variant (1).
Genome position (GRCh38, 1-based): chr13:32,316,462, T duplicated. VCF-style (leftmost placement, unchanged base first): chr13-32316461-A-AT. GRCh37 (hg19) VCF-style: chr13-32890598-A-AT.
Other names: c.2dup, p.Met1fs (NM_001406719.1, NM_001406720.1, NM_001406721.1 and 1 more transcripts); c.-303+795dup (NM_001406722.1); c.2dupT (NM_000059.3); short protein forms M1fs.
Identifiers: ClinVar variation 5033341 (VCV005033341.1).
Genomic context (GRCh38, chr13:32,316,461, plus strand): 5'-TTTTGGTCTTCTGTTTTGCAGACTTATTTACCAAGCATTGGAGGAATATCGTAGGTAAAA[A>AT]TGCCTATTGGATCCAAAGAGAGGCCAACATTTTTTGAAATTTTTAAGACACGCTGCAACA-3'

ClinVar aggregate classification (germline): Pathogenic (1 of 4 stars; one submission).

Conditions:
Hereditary cancer-predisposing syndrome. Also called: Neoplastic Syndromes, Hereditary; Tumor predisposition; Hereditary neoplastic syndrome; Hereditary Cancer Syndrome. Identifiers: Orphanet 140162, MedGen C0027672, MeSH D009386, MONDO:0015356.

Submission:

Ambry Genetics
Classification: Pathogenic for Hereditary cancer-predisposing syndrome. Last evaluated: 2026-08-10. Review status: criteria provided, single submitter. Criteria: Ambry Variant Classification Scheme 2023. Collection method: clinical testing. Allele origin: germline.
Comment: The c.2dupT pathogenic mutation (also known as p.M1?) is located in coding exon 1 of the BRCA2 gene and results from a duplication of T at nucleotide position 2. This alters the methionine residue at the initiation codon (ATG). This variant is considered to be rare based on population cohorts in the Genome Aggregation Database (gnomAD). Sequence variations that modify the initiation codon are expected to result in either loss of translation initiation, N-terminal truncation, or cause a shift in the mRNA reading frame. Based on the supporting evidence, this variant is interpreted as a disease-causing mutation.